The following is an entry in ClinVar:

NM_007325.5(GRIA3):c.1979G>C (p.Arg660Thr)

Gene: GRIA3 (glutamate ionotropic receptor AMPA type subunit 3; plus strand). Cytogenetic location: Xq25.
Variant type: single nucleotide variant.
Coding change: c.1979G>C on transcript NM_007325.5 (MANE Select); coding-DNA position 1979, G replaced by C.
Protein change: p.Arg660Thr; replaces arginine 660 with threonine.
Molecular consequence: missense variant.
Genome position (GRCh38, 1-based): chrX:123,428,042, G>C. VCF-style: chrX-123428042-G-C. GRCh37 (hg19) VCF-style: chrX-122561893-G-C.
Other names: c.1979G>C, p.Arg660Thr (NM_000828.5); short protein forms R660T.
Identifiers: ClinVar variation 1299450 (VCV001299450.4), dbSNP rs2147401079, ClinGen allele CA414259907.

ClinVar aggregate classification (germline): Pathogenic (1 of 4 stars; one submission).

Conditions:
GRIA3-related complex neurodevelopmental disorder.

Submission:

Illumina Laboratory Services, Illumina
Classification: Pathogenic for GRIA3-related complex neurodevelopmental disorder. Last evaluated: 2021-09-30. Review status: criteria provided, single submitter. Criteria: ICSLVariantClassificationCriteria RUGD 01 April 2020. Collection method: clinical testing. Allele origin: unknown.
Comment: The GRIA3 c.1979G>C (p.Arg660Thr) is a missense variant that has been reported in one study in the literature (Sun et al. 2021). This variant is not found in version 2.1.1 or version 3.1.1 of the Genome Aggregation Database, despite its location in a region of good sequence coverage, which suggests the variant is rare. Functional studies in HEK cells demonstrated that the p.Arg660Thr variant receptors had slower desensitization and deactivation kinetics as compared to wildtype, substantial non-desensitized currents were seen with the p.Arg660Thr variant but not wildtype when exposed to glutamate, and decay kinetics were slowed when the variant protein was co-expressed with the GLUA2 protein (Sun et al. 2021). Additionally, Sun et al. (2021) found that miniature excitatory postsynaptic currents were significantly slower in mouse cultured cerebellar granule neurons transfected with the p.Arg660Thr variant than those expressing the wildtype; similar results were obtained through overexpression of the variant and wildtype in mouse hippocampal CA1 neurons generated by in utero electroporation. The p.Arg660Thr variant is located at a conserved residue in the linker between the third transmembrane domain (M3) and the S2 extracellular domain of glutamate binding domain (Sun et al. 2021) and other missense variants in this region have been found to cause significant functional defects of the GRIA3 subunit (Wu et al. 2007; Trivisano et al. 2020). Based on the available evidence, the p.Arg660Thr variant is classified as pathogenic for GRIA3-related complex neurodevelopmental disorder.

Literature cited by the submitters: PubMed 17989220; PubMed 32977175; PubMed 34161333.